The following is an entry in ClinVar:

NM_000246.4(CIITA):c.1787C>T (p.Thr596Met)

Gene: CIITA (class II major histocompatibility complex transactivator; plus strand). Cytogenetic location: 16p13.13.
Variant type: single nucleotide variant.
Coding change: c.1787C>T on transcript NM_000246.4 (MANE Select); coding-DNA position 1787, C replaced by T.
Protein change: p.Thr596Met; replaces threonine 596 with methionine.
Molecular consequence: missense variant. On other transcripts: intron variant (1).
Genome position (GRCh38, 1-based): chr16:10,907,279, C>T. VCF-style: chr16-10907279-C-T. GRCh37 (hg19) VCF-style: chr16-11001136-C-T.
Other names: c.1787C>T (NM_000246.3); c.1790C>T, p.Thr597Met (NM_001286402.1, NM_001379332.1); c.1643C>T, p.Thr548Met (NM_001379330.1); c.1640C>T, p.Thr547Met (NM_001379331.1); c.1787C>T, p.Thr596Met (NM_001379333.1); c.1718C>T, p.Thr573Met (NM_001379334.1); c.860-1704C>T (NM_001286403.2); short protein forms T547M, T573M, T596M, T548M, T597M.
Identifiers: ClinVar variation 1373886 (VCV001373886.5), dbSNP rs146528748, ClinGen allele CA7900217.

ClinVar aggregate classification (germline): Uncertain significance. Review status: criteria provided, multiple submitters, no conflicts (2 of 4 stars). 2 submissions from 2 submitters: Uncertain significance (2). Last evaluated 2025-11-06.

Conditions:
Inborn genetic diseases. Identifiers: MedGen C0950123, MeSH D030342.
MHC class II deficiency. Also called: BLS, TYPE II; Bare lymphocyte syndrome 2. Identifiers: Orphanet 572, MedGen C5447452, MONDO:0008855.

Allele frequency attached by ClinVar (database versions not stated): ExAC 0.00002; gnomAD exomes 0.00002; gnomAD 0.00007 and 0.00008; TOPMed 0.00013; ESP Exome Variant Server 0.00015; 1000 Genomes Project 30x 0.00031; 1000 Genomes Project 0.00040.
gnomAD v4.1: 46 of 1,613,522 alleles (0.0029%); highest among the groups gnomAD compares: African/African-American, 0.045%; no homozygotes.

Submissions (2):

Ambry Genetics
Classification: Uncertain significance for Inborn genetic diseases. Last evaluated: 2025-11-06. Review status: criteria provided, single submitter. Criteria: Ambry Variant Classification Scheme 2023. Collection method: clinical testing. Allele origin: germline.

Labcorp Genetics (formerly Invitae), Labcorp
Classification: Uncertain significance for MHC class II deficiency. Last evaluated: 2022-07-06. Review status: criteria provided, single submitter. Criteria: Invitae Variant Classification Sherloc (09022015). Collection method: clinical testing. Allele origin: germline.
Comment: This sequence change replaces threonine, which is neutral and polar, with methionine, which is neutral and non-polar, at codon 596 of the CIITA protein (p.Thr596Met). This variant is present in population databases (rs146528748, gnomAD 0.03%). This variant has not been reported in the literature in individuals affected with CIITA-related conditions. ClinVar contains an entry for this variant (Variation ID: 1373886). Algorithms developed to predict the effect of missense changes on protein structure and function output the following: SIFT: "Tolerated"; PolyPhen-2: "Benign"; Align-GVGD: "Class C0". The methionine amino acid residue is found in multiple mammalian species, which suggests that this missense change does not adversely affect protein function. In summary, the available evidence is currently insufficient to determine the role of this variant in disease. Therefore, it has been classified as a Variant of Uncertain Significance.